The following is an entry in ClinVar:

NM_201596.3(CACNB2):c.1501G>C (p.Asp501His)

Gene: CACNB2 (calcium voltage-gated channel auxiliary subunit beta 2; plus strand). Cytogenetic location: 10p12.31.
Variant type: single nucleotide variant.
Coding change: c.1501G>C on transcript NM_201596.3 (MANE Select); coding-DNA position 1501, G replaced by C.
Protein change: p.Asp501His; replaces aspartic acid 501 with histidine.
Molecular consequence: missense variant.
Genome position (GRCh38, 1-based): chr10:18,539,242, G>C. VCF-style: chr10-18539242-G-C. GRCh37 (hg19) VCF-style: chr10-18828171-G-C.
Other names: c.1336G>C, p.Asp446His (NM_000724.4); c.1303G>C, p.Asp435His (NM_001167945.2); c.1222G>C, p.Asp408His (NM_001330060.2); c.1243G>C, p.Asp415His (NM_001410882.1); c.1357G>C, p.Asp453His (NM_201570.3); c.1417G>C, p.Asp473His (NM_201571.4); c.1345G>C, p.Asp449His (NM_201572.4); c.1339G>C, p.Asp447His (NM_201590.3); and 2 more; short protein forms D408H, D415H, D435H, D446H, D447H, D449H, D453H, D463H.
Identifiers: ClinVar variation 3230192 (VCV003230192.3), dbSNP rs777853455, ClinGen allele CA376071100.

ClinVar aggregate classification (germline): Uncertain significance. Review status: criteria provided, multiple submitters, no conflicts (2 of 4 stars). 2 submissions from 2 submitters: Uncertain significance (2). Last evaluated 2025-05-09.

Conditions:
Cardiovascular phenotype. Identifiers: MedGen CN230736.
Brugada syndrome 4 (BRGDA4). Identifiers: Orphanet 130, MedGen C2678477, MONDO:0012743, OMIM 611876.

gnomAD v4.1: 3 of 1,614,000 alleles (0.00019%); highest among the groups gnomAD compares: East Asian, 0.0022%; no homozygotes.

Submissions (2):

Labcorp Genetics (formerly Invitae), Labcorp
Classification: Uncertain significance for Brugada syndrome 4. Last evaluated: 2025-05-09. Review status: criteria provided, single submitter. Criteria: Invitae Variant Classification Sherloc (09022015). Collection method: clinical testing. Allele origin: germline.
Comment: This sequence change replaces aspartic acid, which is acidic and polar, with histidine, which is basic and polar, at codon 447 of the CACNB2 protein (p.Asp447His). This variant is not present in population databases (gnomAD no frequency). This variant has not been reported in the literature in individuals affected with CACNB2-related conditions. ClinVar contains an entry for this variant (Variation ID: 3230192). Invitae Evidence Modeling of protein sequence and biophysical properties (such as structural, functional, and spatial information, amino acid conservation, physicochemical variation, residue mobility, and thermodynamic stability) indicates that this missense variant is not expected to disrupt CACNB2 protein function with a negative predictive value of 80%. In summary, the available evidence is currently insufficient to determine the role of this variant in disease. Therefore, it has been classified as a Variant of Uncertain Significance.

Ambry Genetics
Classification: Uncertain significance for Cardiovascular phenotype. Last evaluated: 2023-10-26. Review status: criteria provided, single submitter. Criteria: Ambry Variant Classification Scheme 2023. Collection method: clinical testing. Allele origin: germline.
Comment: The p.D447H variant (also known as c.1339G>C), located in coding exon 13 of the CACNB2 gene, results from a G to C substitution at nucleotide position 1339. The aspartic acid at codon 447 is replaced by histidine, an amino acid with similar properties. This amino acid position is conserved. In addition, the in silico prediction for this alteration is inconclusive. Since supporting evidence is limited at this time, the clinical significance of this alteration remains unclear.